The following is an entry in ClinVar:

ClinVar aggregate classification (germline): Conflicting classifications of pathogenicity. Review status: criteria provided, conflicting classifications (1 of 4 stars). 2 submissions from 2 submitters: Uncertain significance (1); Likely benign (1). Last evaluated 2025-09-01.

gnomAD v4.1: 1,540 of 1,614,130 alleles (0.095%); highest among the groups gnomAD compares: Non-Finnish European, 0.11%; 3 homozygotes.

Submissions (2):

CeGaT Center for Human Genetics Tuebingen
Classification: Likely benign. Last evaluated: 2025-09-01. Review status: criteria provided, single submitter. Criteria: CeGaT Center For Human Genetics Tuebingen Variant Classification Criteria Version 2. Collection method: clinical testing. Allele origin: germline. Affected: yes. Observed: 1 variant allele.
Comment: ARHGAP29: BP4, BS2

GeneDx
Classification: Uncertain significance. Last evaluated: 2023-11-12. Review status: criteria provided, single submitter. Criteria: GeneDx Variant Classification Process June 2021. Collection method: clinical testing. Allele origin: germline. Affected: yes.
Comment: Has not been previously published as pathogenic or benign to our knowledge; In silico analysis supports that this missense variant does not alter protein structure/function

NM_004815.4(ARHGAP29):c.2623G>A (p.Val875Ile)

Gene: ARHGAP29 (Rho GTPase activating protein 29; minus strand). Cytogenetic location: 1p22.1.
Variant type: single nucleotide variant.
Coding change: c.2623G>A on transcript NM_004815.4 (MANE Select); coding-DNA position 2623, G replaced by A.
Protein change: p.Val875Ile; replaces valine 875 with isoleucine.
Molecular consequence: missense variant.
Genome position (GRCh38, 1-based): chr1:94,178,025, C>T on the plus strand (G>A on the coding strand, the complement: ARHGAP29 is on the minus strand). VCF-style: chr1-94178025-C-T. GRCh37 (hg19) VCF-style: chr1-94643581-C-T.
Other names: c.2623G>A, p.Val875Ile (NM_001328664.2); c.2431G>A, p.Val811Ile (NM_001328665.2, NM_001328667.2); c.2596G>A, p.Val866Ile (NM_001328666.2); short protein forms V811I, V866I, V875I.
Identifiers: ClinVar variation 3364193 (VCV003364193.8).
Genomic context (GRCh38, chr1:94,178,025, plus strand): 5'-CATCTTGTGGTTGTAGGGACCCATCGAAGATCTTCTGTGAGTAAGTAATGAGAAACTCTA[C>T]CAAGCGTGCTTGATTTGAATACTCTGCAAGGGAGGAGATGGTGATAGGAGCAGTTGTGGG-3'
Protein context (NP_004806.3, residues 865-885): LAEYSNQARL[Val875Ile]EFLITYSQKI